The following is an entry in ClinVar:

ClinVar aggregate classification (germline): Uncertain significance (1 of 4 stars; one submission).

Conditions:
Primary ciliary dyskinesia. Also called: Ciliary dyskinesia. Identifiers: Orphanet 244, MedGen C0008780, MONDO:0016575, HP:0012265.

gnomAD v4.1: 1 of 1,596,896 alleles (0.000063%); highest among the groups gnomAD compares: Admixed American, 0.0017%; no homozygotes.

Submission:

Ambry Genetics
Classification: Uncertain significance for Primary ciliary dyskinesia. Last evaluated: 2023-11-30. Review status: criteria provided, single submitter. Criteria: Ambry Variant Classification Scheme 2023. Collection method: clinical testing. Allele origin: germline.
Comment: The p.E216Q variant (also known as c.646G>C), located in coding exon 1 of the DNAAF2 gene, results from a G to C substitution at nucleotide position 646. The glutamic acid at codon 216 is replaced by glutamine, an amino acid with highly similar properties. This amino acid position is conserved. In addition, this alteration is predicted to be tolerated by in silico analysis. Since supporting evidence is limited at this time, the clinical significance of this alteration remains unclear.

NM_018139.3(DNAAF2):c.646G>C (p.Glu216Gln)

Gene: DNAAF2 (dynein axonemal assembly factor 2; minus strand). Cytogenetic location: 14q21.3.
Variant type: single nucleotide variant.
Coding change: c.646G>C on transcript NM_018139.3 (MANE Select); coding-DNA position 646, G replaced by C.
Protein change: p.Glu216Gln; replaces glutamic acid 216 with glutamine.
Molecular consequence: missense variant.
Genome position (GRCh38, 1-based): chr14:49,634,504, C>G on the plus strand (G>C on the coding strand, the complement: DNAAF2 is on the minus strand). VCF-style: chr14-49634504-C-G. GRCh37 (hg19) VCF-style: chr14-50101222-C-G.
Other names: c.646G>C, p.Glu216Gln (NM_001083908.2); short protein forms E216Q.
Identifiers: ClinVar variation 2316910 (VCV002316910.2), dbSNP rs1008470590, ClinGen allele CA389631280.